The following is an entry in ClinVar:

NM_001080449.3(DNA2):c.2230A>G (p.Met744Val)

Gene: DNA2 (DNA replication helicase/nuclease 2; minus strand). Cytogenetic location: 10q21.3.
Variant type: single nucleotide variant.
Coding change: c.2230A>G on transcript NM_001080449.3 (MANE Select); coding-DNA position 2230, A replaced by G.
Protein change: p.Met744Val; replaces methionine 744 with valine.
Molecular consequence: missense variant. On other transcripts: non-coding transcript variant (1).
Genome position (GRCh38, 1-based): chr10:68,422,869, T>C on the plus strand (A>G on the coding strand, the complement: DNA2 is on the minus strand). VCF-style: chr10-68422869-T-C. GRCh37 (hg19) VCF-style: chr10-70182626-T-C.
Other names: short protein forms M744V.
Identifiers: ClinVar variation 1314526 (VCV001314526.5), dbSNP rs771075304, ClinGen allele CA5524865.

ClinVar aggregate classification (germline): Uncertain significance. Review status: criteria provided, multiple submitters, no conflicts (2 of 4 stars). 2 submissions from 2 submitters: Uncertain significance (2). Last evaluated 2023-03-16.

Allele frequency attached by ClinVar (database versions not stated): TOPMed 0.00001; ExAC 0.00002; gnomAD exomes 0.00002.
gnomAD v4.1: 33 of 1,583,258 alleles (0.0021%); highest among the groups gnomAD compares: Non-Finnish European, 0.0027%; no homozygotes.

Submissions (2):

Labcorp Genetics (formerly Invitae), Labcorp
Classification: Uncertain significance. Last evaluated: 2023-03-16. Review status: criteria provided, single submitter. Criteria: Invitae Variant Classification Sherloc (09022015). Collection method: clinical testing. Allele origin: germline.
Comment: In summary, the available evidence is currently insufficient to determine the role of this variant in disease. Therefore, it has been classified as a Variant of Uncertain Significance. Advanced modeling of protein sequence and biophysical properties (such as structural, functional, and spatial information, amino acid conservation, physicochemical variation, residue mobility, and thermodynamic stability) performed at Invitae indicates that this missense variant is expected to disrupt DNA2 protein function. ClinVar contains an entry for this variant (Variation ID: 1314526). This variant has not been reported in the literature in individuals affected with DNA2-related conditions. This variant is present in population databases (rs771075304, gnomAD 0.003%). This sequence change replaces methionine, which is neutral and non-polar, with valine, which is neutral and non-polar, at codon 744 of the DNA2 protein (p.Met744Val).

GeneDx
Classification: Uncertain significance. Last evaluated: 2021-04-07. Review status: criteria provided, single submitter. Criteria: GeneDx Variant Classification Process June 2021. Collection method: clinical testing. Allele origin: germline. Affected: yes.
Comment: Has not been previously published as pathogenic or benign to our knowledge; In silico analysis supports that this missense variant does not alter protein structure/function